The following is an entry in ClinVar:

ClinVar aggregate classification (germline): Benign. Review status: criteria provided, multiple submitters, no conflicts (2 of 4 stars). 4 submissions from 4 submitters: Benign (4). Last evaluated 2026-02-03.

Conditions:
Knobloch syndrome (KNO). Also called: RETINAL DETACHMENT AND OCCIPITAL ENCEPHALOCELE; Myopia retinal detachment encephalocele. Identifiers: Orphanet 1571, MedGen C1849409, MONDO:0800166.

Allele frequency attached by ClinVar (database versions not stated): gnomAD exomes 0.00294 and 0.00769; ExAC 0.00961; gnomAD 0.02948 and 0.03171; ESP Exome Variant Server 0.02996; 1000 Genomes Project 0.03075; 1000 Genomes Project 30x 0.03295; TOPMed 0.03314.
gnomAD v4.1: 9,041 of 1,614,036 alleles (0.56%); highest among the groups gnomAD compares: African/African-American, 10%; 429 homozygotes.

Submissions (4):

Labcorp Genetics (formerly Invitae), Labcorp
Classification: Benign. Last evaluated: 2026-02-03. Review status: criteria provided, single submitter. Criteria: Invitae Variant Classification Sherloc (09022015). Collection method: clinical testing. Allele origin: germline.

GeneDx
Classification: Benign. Last evaluated: 2021-05-05. Review status: criteria provided, single submitter. Criteria: GeneDx Variant Classification Process June 2021. Collection method: clinical testing. Allele origin: germline. Affected: yes.

Illumina Laboratory Services, Illumina
Classification: Benign for Knobloch syndrome 1. Last evaluated: 2018-01-13. Review status: criteria provided, single submitter. Criteria: ICSL Variant Classification Criteria 13 December 2019. Collection method: clinical testing. Allele origin: germline.
Comment: This variant was observed in the ICSL laboratory as part of a predisposition screen in an ostensibly healthy population. It had not been previously curated by ICSL or reported in the Human Gene Mutation Database (HGMD: prior to June 1st, 2018), and was therefore a candidate for classification through an automated scoring system. Utilizing variant allele frequency, disease prevalence and penetrance estimates, and inheritance mode, an automated score was calculated to assess if this variant is too frequent to cause the disease. Based on the score and internal cut-off values, a variant classified as benign is not then subjected to further curation. The score for this variant resulted in a classification of benign for this disease.

Breakthrough Genomics
Classification: Benign. Review status: criteria provided, single submitter. Criteria: ACMG Guidelines, 2015. Collection method: not provided. Allele origin: germline. Inheritance: Autosomal recessive inheritance. Affected: yes.

NM_001379500.1(COL18A1):c.510A>G (p.Ala170=)

Gene: COL18A1 (collagen type XVIII alpha 1 chain; plus strand). Cytogenetic location: 21q22.3.
Variant type: single nucleotide variant.
Coding change: c.510A>G on transcript NM_001379500.1 (MANE Select); coding-DNA position 510, A replaced by G.
Protein change: p.Ala170=; no amino-acid change (alanine 170 retained).
Molecular consequence: synonymous variant.
Genome position (GRCh38, 1-based): chr21:45,468,645, A>G. VCF-style: chr21-45468645-A-G. GRCh37 (hg19) VCF-style: chr21-46888559-A-G.
Other names: NM_130445.2:c.510A>G; NM_130445.3:c.510A>G; c.1050A>G, p.Ala350= (NM_030582.4); c.1755A>G, p.Ala585= (NM_130444.3).
Identifiers: ClinVar variation 340194 (VCV000340194.18), dbSNP rs76754353, ClinGen allele CA10065766.